The following is an entry in ClinVar:

NM_020778.5(ALPK3):c.4564_4565insT (p.Asp1522fs)

Gene: ALPK3 (alpha kinase 3; plus strand). Cytogenetic location: 15q25.3.
Variant type: Insertion.
Coding change: c.4564_4565insT on transcript NM_020778.5 (MANE Select); coding-DNA positions 4564 to 4565, T inserted.
Protein change: p.Asp1522fs; shifts the reading frame from aspartic acid 1522.
Molecular consequence: frameshift variant.
Genome position: GRCh38 VCF-style: chr15-84864506-G-GT. GRCh37 (hg19) VCF-style: chr15-85407737-G-GT.
Other names: short protein forms D1522fs.
Identifiers: ClinVar variation 1454549 (VCV001454549.9), dbSNP rs2141574028, ClinGen allele CA2573151216.
Genomic context (GRCh38, chr15:84,864,506, plus strand): 5'-ATCCCACTGTATCTGATCTACCGGCCTGCAAACAATATCCCATATGCTACCCTGGAGGAA[G>GT]ACCTGGGCAAGCCCCTGGAGTCTTACTGTTCTCGGGAATGGGGCTGTGCTGAGGCTCCGA-3'

ClinVar aggregate classification (germline): Pathogenic. Review status: criteria provided, multiple submitters, no conflicts (2 of 4 stars). 2 submissions from 2 submitters: Pathogenic (2). Last evaluated 2024-11-10.

Conditions:
Cardiovascular phenotype. Identifiers: MedGen CN230736.

Allele frequency attached by ClinVar (database versions not stated): gnomAD exomes below 0.00001.

Submissions (2):

Ambry Genetics
Classification: Pathogenic for Cardiovascular phenotype. Last evaluated: 2024-11-10. Review status: criteria provided, single submitter. Criteria: Ambry Variant Classification Scheme 2023. Collection method: clinical testing. Allele origin: germline.
Comment: The c.5170_5171insT pathogenic mutation, located in coding exon 12 of the ALPK3 gene, results from an insertion of one nucleotide at position 5170, causing a translational frameshift with a predicted alternate stop codon (p.D1724Vfs*18). This variant is considered to be rare based on population cohorts in the Genome Aggregation Database (gnomAD). This alteration is expected to result in loss of function by premature protein truncation or nonsense-mediated mRNA decay. As such, this alteration is interpreted as a disease-causing mutation.

Labcorp Genetics (formerly Invitae), Labcorp
Classification: Pathogenic. Last evaluated: 2024-10-26. Review status: criteria provided, single submitter. Criteria: Invitae Variant Classification Sherloc (09022015). Collection method: clinical testing. Allele origin: germline.
Comment: This sequence change creates a premature translational stop signal (p.Asp1724Valfs*18) in the ALPK3 gene. It is expected to result in an absent or disrupted protein product. Loss-of-function variants in ALPK3 are known to be pathogenic (PMID: 21441111, 26846950, 27106955, 34263907). This variant is not present in population databases (gnomAD no frequency). This variant has not been reported in the literature in individuals affected with ALPK3-related conditions. ClinVar contains an entry for this variant (Variation ID: 1454549). Algorithms developed to predict the effect of sequence changes on RNA splicing suggest that this variant may disrupt the consensus splice site. For these reasons, this variant has been classified as Pathogenic.

Literature cited by the submitters: PubMed 21441111 (cited by Labcorp Genetics (formerly Invitae), Labcorp); PubMed 26846950 (cited by Labcorp Genetics (formerly Invitae), Labcorp); PubMed 27106955 (cited by Labcorp Genetics (formerly Invitae), Labcorp); PubMed 34263907 (cited by Labcorp Genetics (formerly Invitae), Labcorp).